The following is an entry in ClinVar:

ClinVar aggregate classification (germline): Uncertain significance. Review status: criteria provided, multiple submitters, no conflicts (2 of 4 stars). 2 submissions from 2 submitters: Uncertain significance (2). Last evaluated 2024-03-29.

Conditions:
Waardenburg syndrome type 3 (WS3). Also called: KLEIN-WAARDENBURG SYNDROME; WAARDENBURG SYNDROME WITH UPPER LIMB ANOMALIES; Klein-Waardenberg's syndrome. Identifiers: Orphanet 3440, Orphanet 896, MedGen C0079661, MONDO:0007862, OMIM 148820.
Craniofacial-deafness-hand syndrome (CDHS). Identifiers: Orphanet 1529, MedGen C1852510, MONDO:0007395, OMIM 122880.

Submissions (2):

Genomic Medicine Center of Excellence, King Faisal Specialist Hospital and Research Centre
Classification: Uncertain significance for Waardenburg syndrome type 3. Last evaluated: 2024-03-29. Review status: criteria provided, single submitter. Criteria: ACMG Guidelines, 2015. Collection method: clinical testing. Allele origin: germline.

Baylor Genetics
Classification: Uncertain significance for Craniofacial-deafness-hand syndrome. Last evaluated: 2020-02-21. Review status: criteria provided, single submitter. Criteria: ACMG Guidelines, 2015. Collection method: clinical testing. Allele origin: unknown. Affected: yes.
Comment: This variant was determined to be of uncertain significance according to ACMG Guidelines, 2015 [PMID:25741868].

NM_181458.4(PAX3):c.467G>C (p.Arg156Pro)

Gene: PAX3 (paired box 3; minus strand). Cytogenetic location: 2q36.1.
Variant type: single nucleotide variant.
Coding change: c.467G>C on transcript NM_181458.4 (MANE Select); coding-DNA position 467, G replaced by C.
Protein change: p.Arg156Pro; replaces arginine 156 with proline.
Molecular consequence: missense variant.
Genome position (GRCh38, 1-based): chr2:222,294,286, C>G on the plus strand (G>C on the coding strand, the complement: PAX3 is on the minus strand). VCF-style: chr2-222294286-C-G. GRCh37 (hg19) VCF-style: chr2-223159005-C-G.
Other names: c.467G>C, p.Arg156Pro (NM_000438.6, NM_013942.5, NM_181457.4 and 3 more transcripts); c.464G>C, p.Arg155Pro (NM_001127366.3); short protein forms R155P, R156P.
Identifiers: ClinVar variation 1027898 (VCV001027898.2), dbSNP rs768608755, ClinGen allele CA351112985.